The following is an entry in ClinVar:

NM_007315.4(STAT1):c.389T>C (p.Ile130Thr)

Gene: STAT1 (signal transducer and activator of transcription 1; minus strand). Cytogenetic location: 2q32.2.
Variant type: single nucleotide variant.
Coding change: c.389T>C on transcript NM_007315.4 (MANE Select); coding-DNA position 389, T replaced by C.
Protein change: p.Ile130Thr; replaces isoleucine 130 with threonine.
Molecular consequence: missense variant. On other transcripts: intron variant (1).
Genome position (GRCh38, 1-based): chr2:191,001,147, A>G on the plus strand (T>C on the coding strand, the complement: STAT1 is on the minus strand). VCF-style: chr2-191001147-A-G. GRCh37 (hg19) VCF-style: chr2-191865873-A-G.
Other names: c.389T>C, p.Ile130Thr (NM_001384880.1, NM_001384882.1, NM_001384883.1 and 6 more transcripts); c.395T>C, p.Ile132Thr (NM_001384881.1, NM_001384884.1); c.425T>C, p.Ile142Thr (NM_001384891.1); c.373-1443T>C (NM_001384890.1); short protein forms I130T, I132T, I142T.
Identifiers: ClinVar variation 937753 (VCV000937753.7), dbSNP rs1694239561, ClinGen allele CA349925535.

ClinVar aggregate classification (germline): Uncertain significance (1 of 4 stars; one submission).

Conditions:
Immunodeficiency 31B. Also called: STAT1 DEFICIENCY, AUTOSOMAL RECESSIVE; IMMUNODEFICIENCY 31B, MYCOBACTERIAL AND VIRAL INFECTIONS, AUTOSOMAL RECESSIVE. Identifiers: Orphanet 391311, MedGen C3151088, MONDO:0013427, OMIM 613796.
Autoimmune enteropathy and endocrinopathy - susceptibility to chronic infections syndrome. Also called: Immunodeficiency 31C, autosomal dominant; Immunodeficiency 31C. Identifiers: Orphanet 391487, MedGen C3279990, MONDO:0013599, OMIM 614162.
Mendelian susceptibility to mycobacterial diseases due to partial STAT1 deficiency. Also called: IMMUNODEFICIENCY 31A, MYCOBACTERIOSIS, AUTOSOMAL DOMINANT; STAT1 DEFICIENCY, AUTOSOMAL DOMINANT; Immunodeficiency 31a. Identifiers: Orphanet 319595, MedGen C4013950, MONDO:0013956, OMIM 614892.

Submission:

Labcorp Genetics (formerly Invitae), Labcorp
Classification: Uncertain significance for Mendelian susceptibility to mycobacterial diseases due to partial STAT1 deficiency; Immunodeficiency 31B; Autoimmune enteropathy and endocrinopathy - susceptibility to chronic infections syndrome. Last evaluated: 2025-01-06. Review status: criteria provided, single submitter. Criteria: Invitae Variant Classification Sherloc (09022015). Collection method: clinical testing. Allele origin: germline.
Comment: This sequence change replaces isoleucine, which is neutral and non-polar, with threonine, which is neutral and polar, at codon 130 of the STAT1 protein (p.Ile130Thr). This variant is not present in population databases (gnomAD no frequency). This variant has not been reported in the literature in individuals affected with STAT1-related conditions. ClinVar contains an entry for this variant (Variation ID: 937753). An algorithm developed to predict the effect of missense changes on protein structure and function (PolyPhen-2) suggests that this variant is likely to be tolerated. In summary, the available evidence is currently insufficient to determine the role of this variant in disease. Therefore, it has been classified as a Variant of Uncertain Significance.